The following is an entry in ClinVar:

ClinVar aggregate classification (germline): Likely benign (0 of 4 stars; one submission).

Conditions:
AGO3-related disorder. Also called: AGO3-related condition.

Allele frequency attached by ClinVar (database versions not stated): gnomAD exomes 0.00001; ExAC 0.00002; TOPMed 0.00002; gnomAD 0.00003; ESP Exome Variant Server 0.00008; 1000 Genomes Project 30x 0.00016; 1000 Genomes Project 0.00020.
gnomAD v4.1: 25 of 1,614,014 alleles (0.0015%); highest among the groups gnomAD compares: Middle Eastern, 0.033%; no homozygotes.

Submission:

PreventionGenetics, part of Exact Sciences
Classification: Likely benign for AGO3-related condition. Last evaluated: 2019-09-10. Review status: no assertion criteria provided. Collection method: clinical testing. Allele origin: germline.
Comment: This variant is classified as likely benign based on ACMG/AMP sequence variant interpretation guidelines (Richards et al. 2015 PMID: 25741868, with internal and published modifications).

NM_024852.4(AGO3):c.2127G>A (p.Gln709=)

Gene: AGO3 (argonaute RISC catalytic component 3; plus strand). Cytogenetic location: 1p34.3.
Variant type: single nucleotide variant.
Coding change: c.2127G>A on transcript NM_024852.4 (MANE Select); coding-DNA position 2127, G replaced by A.
Protein change: p.Gln709=; no amino-acid change (glutamine 709 retained).
Molecular consequence: synonymous variant.
Genome position (GRCh38, 1-based): chr1:36,040,396, G>A. VCF-style: chr1-36040396-G-A. GRCh37 (hg19) VCF-style: chr1-36505997-G-A.
Other names: c.1425G>A, p.Gln475= (NM_177422.3).
Identifiers: ClinVar variation 3039853 (VCV003039853.2), dbSNP rs368356934, ClinGen allele CA763916.